The following is an entry in ClinVar:

NM_138691.3(TMC1):c.131G>A (p.Arg44Gln)

Gene: TMC1 (transmembrane channel like 1; plus strand). Cytogenetic location: 9q21.13.
Variant type: single nucleotide variant.
Coding change: c.131G>A on transcript NM_138691.3 (MANE Select); coding-DNA position 131, G replaced by A.
Protein change: p.Arg44Gln; replaces arginine 44 with glutamine.
Molecular consequence: missense variant.
Genome position (GRCh38, 1-based): chr9:72,694,609, G>A. VCF-style: chr9-72694609-G-A. GRCh37 (hg19) VCF-style: chr9-75309525-G-A.
Other names: short protein forms R44Q.
Identifiers: ClinVar variation 3364121 (VCV003364121.4).

ClinVar aggregate classification (germline): Uncertain significance. Review status: criteria provided, multiple submitters, no conflicts (2 of 4 stars). 3 submissions from 3 submitters: Uncertain significance (3). Last evaluated 2026-03-19.

Conditions:
TMC1-related disorder. Also called: TMC1-related disorders; TMC1-related condition.

gnomAD v4.1: 35 of 1,613,040 alleles (0.0022%); highest among the groups gnomAD compares: Middle Eastern, 0.033%; no homozygotes.

Submissions (3):

PreventionGenetics, part of Exact Sciences
Classification: Uncertain significance for TMC1-related condition. Last evaluated: 2026-03-19. Review status: criteria provided, single submitter. Criteria: ACMG Guidelines, 2015. Collection method: clinical testing. Allele origin: germline.
Comment: The TMC1 c.131G>A variant is predicted to result in the amino acid substitution p.Arg44Gln. To our knowledge, this variant has not been reported in the literature. This variant is reported in 0.011% of alleles in individuals of East Asian descent in gnomAD. At this time, the clinical significance of this variant is uncertain due to the absence of conclusive functional and genetic evidence.

Labcorp Genetics (formerly Invitae), Labcorp
Classification: Uncertain significance. Last evaluated: 2025-09-26. Review status: criteria provided, single submitter. Criteria: Invitae Variant Classification Sherloc (09022015). Collection method: clinical testing. Allele origin: germline.
Comment: This sequence change replaces arginine, which is basic and polar, with glutamine, which is neutral and polar, at codon 44 of the TMC1 protein (p.Arg44Gln). This variant is present in population databases (rs572854741, gnomAD 0.007%). This variant has not been reported in the literature in individuals affected with TMC1-related conditions. ClinVar contains an entry for this variant (Variation ID: 3364121). Invitae Evidence Modeling of protein sequence and biophysical properties (such as structural, functional, and spatial information, amino acid conservation, physicochemical variation, residue mobility, and thermodynamic stability) indicates that this missense variant is not expected to disrupt TMC1 protein function with a negative predictive value of 80%. In summary, the available evidence is currently insufficient to determine the role of this variant in disease. Therefore, it has been classified as a Variant of Uncertain Significance.

GeneDx
Classification: Uncertain significance. Last evaluated: 2023-11-16. Review status: criteria provided, single submitter. Criteria: GeneDx Variant Classification Process June 2021. Collection method: clinical testing. Allele origin: germline. Affected: yes.
Comment: In silico analysis supports that this missense variant does not alter protein structure/function; Has not been previously published as pathogenic or benign to our knowledge